The following is an entry in ClinVar:

ClinVar aggregate classification (germline): Uncertain significance (1 of 4 stars; one submission).

Conditions:
Cardiovascular phenotype. Identifiers: MedGen CN230736.

Submission:

Ambry Genetics
Classification: Uncertain significance for Cardiovascular phenotype. Last evaluated: 2026-08-29. Review status: criteria provided, single submitter. Criteria: Ambry Variant Classification Scheme 2023. Collection method: clinical testing. Allele origin: germline.
Comment: The p.L1850I variant (also known as c.5548C>A), located in coding exon 22 of the AKAP9 gene, results from a C to A substitution at nucleotide position 5548. The leucine at codon 1850 is replaced by isoleucine, an amino acid with highly similar properties. This amino acid position is conserved. In addition, this alteration is predicted to be tolerated by in silico analysis. Based on the available evidence, the clinical significance of this variant remains unclear.

NM_005751.5(AKAP9):c.5548C>A (p.Leu1850Ile)

Gene: AKAP9 (A-kinase anchoring protein 9; plus strand). Cytogenetic location: 7q21.2.
Variant type: single nucleotide variant.
Coding change: c.5548C>A on transcript NM_005751.5 (MANE Select); coding-DNA position 5548, C replaced by A.
Protein change: p.Leu1850Ile; replaces leucine 1850 with isoleucine.
Molecular consequence: missense variant.
Genome position (GRCh38, 1-based): chr7:92,052,905, C>A. VCF-style: chr7-92052905-C-A. GRCh37 (hg19) VCF-style: chr7-91682219-C-A.
Other names: c.5548C>A, p.Leu1850Ile (NM_147185.3); short protein forms L1850I.
Identifiers: ClinVar variation 5034213 (VCV005034213.1).